The following is an entry in ClinVar:

NM_006361.6(HOXB13):c.17A>T (p.Tyr6Phe)

Gene: HOXB13 (homeobox B13; minus strand). Cytogenetic location: 17q21.32.
Variant type: single nucleotide variant.
Coding change: c.17A>T on transcript NM_006361.6 (MANE Select); coding-DNA position 17, A replaced by T.
Protein change: p.Tyr6Phe; replaces tyrosine 6 with phenylalanine.
Molecular consequence: missense variant.
Genome position (GRCh38, 1-based): chr17:48,728,577, T>A on the plus strand (A>T on the coding strand, the complement: HOXB13 is on the minus strand). VCF-style: chr17-48728577-T-A. GRCh37 (hg19) VCF-style: chr17-46805939-T-A.
Other names: short protein forms Y6F.
Identifiers: ClinVar variation 820100 (VCV000820100.12), dbSNP rs771173385, ClinGen allele CA8634077.
Genomic context (GRCh38, chr17:48,728,577, plus strand): 5'-TTCCGCCCCCCTCCCGCTCCCAGCAAGCCTTCGATATCCTTGGCTCCATCCAAGGTGGCA[T>A]AATTGCCGGGCTCCATGGAGCCGAGGGTCGGCTCATGAGGTGCGGGGGCGGGGAATCTAG-3'
Protein context (NP_006352.2, residues 1-16): MEPGN[Tyr6Phe]ATLDGAKDIE

ClinVar aggregate classification (germline): Uncertain significance. Review status: criteria provided, multiple submitters, no conflicts (2 of 4 stars). 2 submissions from 2 submitters: Uncertain significance (2). Last evaluated 2025-08-07.

Conditions:
Hereditary cancer-predisposing syndrome. Also called: Neoplastic Syndromes, Hereditary; Tumor predisposition; Hereditary Cancer Syndrome; Hereditary neoplastic syndrome. Identifiers: Orphanet 140162, MedGen C0027672, MeSH D009386, MONDO:0015356.

Allele frequency attached by ClinVar (database versions not stated): gnomAD exomes below 0.00001; ExAC 0.00001; gnomAD 0.00001; TOPMed 0.00001.
gnomAD v4.1: 3 of 1,612,136 alleles (0.00019%); highest among the groups gnomAD compares: African/African-American, 0.004%; no homozygotes.

Submissions (2):

Labcorp Genetics (formerly Invitae), Labcorp
Classification: Uncertain significance. Last evaluated: 2025-08-07. Review status: criteria provided, single submitter. Criteria: Invitae Variant Classification Sherloc (09022015). Collection method: clinical testing. Allele origin: germline.
Comment: This sequence change replaces tyrosine, which is neutral and polar, with phenylalanine, which is neutral and non-polar, at codon 6 of the HOXB13 protein (p.Tyr6Phe). This variant is present in population databases (rs771173385, gnomAD 0.008%). This variant has not been reported in the literature in individuals affected with HOXB13-related conditions. ClinVar contains an entry for this variant (Variation ID: 820100). An algorithm developed to predict the effect of missense changes on protein structure and function (PolyPhen-2) suggests that this variant is likely to be tolerated. In summary, the available evidence is currently insufficient to determine the role of this variant in disease. Therefore, it has been classified as a Variant of Uncertain Significance.

Ambry Genetics
Classification: Uncertain significance for Hereditary cancer-predisposing syndrome. Last evaluated: 2024-04-27. Review status: criteria provided, single submitter. Criteria: Ambry Variant Classification Scheme 2023. Collection method: clinical testing. Allele origin: germline.
Comment: The p.Y6F variant (also known as c.17A>T), located in coding exon 1 of the HOXB13 gene, results from an A to T substitution at nucleotide position 17. The tyrosine at codon 6 is replaced by phenylalanine, an amino acid with highly similar properties. This amino acid position is not well conserved in available vertebrate species. In addition, the in silico prediction for this alteration is inconclusive. Since supporting evidence is limited at this time, the clinical significance of this alteration remains unclear.